The following is an entry in ClinVar:

NM_000553.6(WRN):c.979G>T (p.Gly327Ter)

Gene: WRN (WRN RecQ like helicase; plus strand). Cytogenetic location: 8p12.
Variant type: single nucleotide variant.
Coding change: c.979G>T on transcript NM_000553.6 (MANE Select); coding-DNA position 979, G replaced by T.
Protein change: p.Gly327Ter; replaces glycine 327 with a stop codon.
Molecular consequence: nonsense.
Genome position (GRCh38, 1-based): chr8:31,081,006, G>T. VCF-style: chr8-31081006-G-T. GRCh37 (hg19) VCF-style: chr8-30938522-G-T.
Other names: short protein forms G327*.
Identifiers: ClinVar variation 938604 (VCV000938604.6), dbSNP rs1813283817, ClinGen allele CA370920098.

ClinVar aggregate classification (germline): Pathogenic (1 of 4 stars; one submission).

Conditions:
Werner syndrome (WRN). Identifiers: Orphanet 902, MedGen C0043119, MONDO:0010196, OMIM 277700.

Submission:

Labcorp Genetics (formerly Invitae), Labcorp
Classification: Pathogenic for Werner syndrome. Last evaluated: 2019-08-24. Review status: criteria provided, single submitter. Criteria: Invitae Variant Classification Sherloc (09022015). Collection method: clinical testing. Allele origin: germline.
Comment: For these reasons, this variant has been classified as Pathogenic. Loss-of-function variants in WRN are known to be pathogenic (PMID: 16673358). Algorithms developed to predict the effect of sequence changes on RNA splicing suggest that this variant may create or strengthen a splice site, but this prediction has not been confirmed by published transcriptional studies. This variant has not been reported in the literature in individuals with WRN-related conditions. This variant is not present in population databases (ExAC no frequency). This sequence change creates a premature translational stop signal (p.Gly327*) in the WRN gene. It is expected to result in an absent or disrupted protein product.

Literature cited by the submitters: PubMed 16673358.